The following is an entry in ClinVar:

NM_199355.4(ADAMTS18):c.421C>T (p.Gln141Ter)

Gene: ADAMTS18 (ADAM metallopeptidase with thrombospondin type 1 motif 18; minus strand). Cytogenetic location: 16q23.1.
Variant type: single nucleotide variant.
Coding change: c.421C>T on transcript NM_199355.4 (MANE Select); coding-DNA position 421, C replaced by T.
Protein change: p.Gln141Ter; replaces glutamine 141 with a stop codon.
Molecular consequence: nonsense. On other transcripts: 5 prime UTR variant (1).
Genome position (GRCh38, 1-based): chr16:77,431,369, G>A on the plus strand (C>T on the coding strand, the complement: ADAMTS18 is on the minus strand). VCF-style: chr16-77431369-G-A. GRCh37 (hg19) VCF-style: chr16-77465266-G-A.
Other names: c.-100C>T (NM_001326358.2); short protein forms Q141*.
Identifiers: ClinVar variation 3647762 (VCV003647762.2).
Genomic context (GRCh38, chr16:77,431,369, plus strand): 5'-TAGACACAGCGACAGAGGAGGAGCTGTCATTTCTGATAAATCCCTGATAGAAGCATTGCT[G>A]CACCTCGGGTTTCTGAGTCTCTGAAGCACCATCTTTTCCAAGTACCTGGACAATAAAGTG-3'

ClinVar aggregate classification (germline): Pathogenic (1 of 4 stars; one submission).

Submission:

Labcorp Genetics (formerly Invitae), Labcorp
Classification: Pathogenic. Last evaluated: 2024-04-02. Review status: criteria provided, single submitter. Criteria: Invitae Variant Classification Sherloc (09022015). Collection method: clinical testing. Allele origin: germline.
Comment: This sequence change creates a premature translational stop signal (p.Gln141*) in the ADAMTS18 gene. It is expected to result in an absent or disrupted protein product. Loss-of-function variants in ADAMTS18 are known to be pathogenic (PMID: 23818446, 24874986). This variant is not present in population databases (gnomAD no frequency). This variant has not been reported in the literature in individuals affected with ADAMTS18-related conditions. For these reasons, this variant has been classified as Pathogenic.

Literature cited by the submitters: PubMed 23818446; PubMed 24874986.